The following is an entry in ClinVar:

NM_000132.4(F8):c.102C>G (p.Asp34Glu)

Gene: F8 (coagulation factor VIII; minus strand). Cytogenetic location: Xq28.
Variant type: single nucleotide variant.
Coding change: c.102C>G on transcript NM_000132.4 (MANE Select); coding-DNA position 102, C replaced by G.
Protein change: p.Asp34Glu; replaces aspartic acid 34 with glutamic acid.
Molecular consequence: missense variant.
Genome position (GRCh38, 1-based): chrX:155,022,451, G>C on the plus strand (C>G on the coding strand, the complement: F8 is on the minus strand). VCF-style: chrX-155022451-G-C. GRCh37 (hg19) VCF-style: chrX-154250726-G-C.
Other names: short protein forms D34E.
Identifiers: ClinVar variation 2664820 (VCV002664820.1), dbSNP rs1800283, ClinGen allele CA414920520.

ClinVar aggregate classification (germline): Uncertain significance (1 of 4 stars; one submission).

Conditions:
Hereditary factor VIII deficiency disease (HEMA). Also called: HEMOPHILIA, CLASSIC; AUTOSOMAL HEMOPHILIA A; Hemophilia A; Hemophilia A, congenital; HEM A; Factor 8 deficiency, congenital. Identifiers: Orphanet 98878, MedGen C0019069, MONDO:0010602, OMIM 306700.

Submission:

Genetics and Molecular Pathology, SA Pathology
Classification: Uncertain significance for Hereditary factor VIII deficiency disease. Last evaluated: 2022-12-29. Review status: criteria provided, single submitter. Criteria: ACMG Guidelines, 2015. Collection method: clinical testing. Allele origin: germline. Inheritance: X-linked recessive inheritance. Affected: yes.
Comment: The F8 c.102C>G variant is classified as a VARIANT OF UNCERTAIN SIGNIFICANCE (PM2, PP3, PS4_Supporting). The F8 c.102C>G variant is a single nucleotide change in exon 1/26 of the F8 gene, which is predicted to change the amino acid aspartic acid at position 34 in the protein to glutamic acid. The variant has been reported in a single individual with a clinical presentation of mild haemophilia A in the literature (PMID: 18217193) (PS4_Supp). This variant is absent from population databases (PM2). Note that this variant is reported in the literature as p.Asp15Glu. Computational predictions support a deleterious effect on the gene or gene product (REVEL=0.725) (PP3). The variant has been reported in the HGMD database: CM080292. It has not been reported in dbSNP or ClinVar.

Literature cited by the submitters: PubMed 18217193.